The following is an entry in ClinVar:

NM_053025.4(MYLK):c.1321C>T (p.Pro441Ser)

Gene: MYLK (myosin light chain kinase; minus strand). Cytogenetic location: 3q21.1.
Variant type: single nucleotide variant.
Coding change: c.1321C>T on transcript NM_053025.4 (MANE Select); coding-DNA position 1321, C replaced by T.
Protein change: p.Pro441Ser; replaces proline 441 with serine.
Molecular consequence: missense variant. On other transcripts: intron variant (2).
Genome position (GRCh38, 1-based): chr3:123,733,091, G>A on the plus strand (C>T on the coding strand, the complement: MYLK is on the minus strand). VCF-style: chr3-123733091-G-A. GRCh37 (hg19) VCF-style: chr3-123451938-G-A.
Other names: p.Pro441Ser; c.793C>T, p.Pro265Ser (NM_001321309.2); c.1321C>T, p.Pro441Ser (NM_053027.4); c.1309+596C>T (NM_053028.4, NM_053026.4); short protein forms P441S, P265S.
Identifiers: ClinVar variation 488557 (VCV000488557.8), dbSNP rs928811814, ClinGen allele CA82942637.

ClinVar aggregate classification (germline): Conflicting classifications of pathogenicity. Review status: criteria provided, conflicting classifications (1 of 4 stars). 5 submissions from 5 submitters: Likely pathogenic (1); Uncertain significance (4). Last evaluated 2025-01-05.

Conditions:
Aortic aneurysm, familial thoracic 7 (AAT7). Also called: AORTIC DISSECTION, FAMILIAL, WITH OR WITHOUT AORTIC ANEURYSM. Identifiers: MedGen C3151077, MONDO:0013418, OMIM 613780.
Familial thoracic aortic aneurysm and aortic dissection (TAAD). Also called: Thoracic aortic aneurysms and dissections. Identifiers: Orphanet 91387, MedGen C4707243, MONDO:0019625.

Allele frequency attached by ClinVar (database versions not stated): gnomAD exomes below 0.00001; TOPMed 0.00001.
gnomAD v4.1: 5 of 1,613,846 alleles (0.00031%); highest among the groups gnomAD compares: Non-Finnish European, 0.00042%; no homozygotes.

Submissions (5):

Ambry Genetics
Classification: Uncertain significance for Familial thoracic aortic aneurysm and aortic dissection. Last evaluated: 2025-01-05. Review status: criteria provided, single submitter. Criteria: Ambry Variant Classification Scheme 2023. Collection method: clinical testing. Allele origin: germline.
Comment: The p.P441S variant (also known as c.1321C>T), located in coding exon 8 of the MYLK gene, results from a C to T substitution at nucleotide position 1321. The proline at codon 441 is replaced by serine, an amino acid with similar properties. This amino acid position is highly conserved in available vertebrate species. In addition, the in silico prediction for this alteration is inconclusive. Based on the available evidence, the clinical significance of this variant remains unclear.

Mayo Clinic Laboratories, Mayo Clinic
Classification: Uncertain significance. Last evaluated: 2022-07-06. Review status: criteria provided, single submitter. Criteria: ACMG Guidelines, 2015. Collection method: clinical testing. Allele origin: germline. Observed: 1 variant allele.

Labcorp Genetics (formerly Invitae), Labcorp
Classification: Uncertain significance for Aortic aneurysm, familial thoracic 7. Last evaluated: 2022-01-26. Review status: criteria provided, single submitter. Criteria: Invitae Variant Classification Sherloc (09022015). Collection method: clinical testing. Allele origin: germline.
Comment: This sequence change replaces proline, which is neutral and non-polar, with serine, which is neutral and polar, at codon 441 of the MYLK protein (p.Pro441Ser). This variant is present in population databases (no rsID available, gnomAD 0.0009%). This variant has not been reported in the literature in individuals affected with MYLK-related conditions. ClinVar contains an entry for this variant (Variation ID: 488557). Advanced modeling of protein sequence and biophysical properties (such as structural, functional, and spatial information, amino acid conservation, physicochemical variation, residue mobility, and thermodynamic stability) performed at Invitae indicates that this missense variant is not expected to disrupt MYLK protein function. In summary, the available evidence is currently insufficient to determine the role of this variant in disease. Therefore, it has been classified as a Variant of Uncertain Significance.

GeneDx
Classification: Uncertain significance. Last evaluated: 2021-04-09. Review status: criteria provided, single submitter. Criteria: GeneDx Variant Classification Process June 2021. Collection method: clinical testing. Allele origin: germline. Affected: yes.
Comment: Has not been previously published as pathogenic or benign to our knowledge; Reported in ClinVar (ClinVar Variant ID# 488557; Landrum et al., 2016); Not observed at a significant frequency in large population cohorts (Lek et al., 2016); In silico analysis supports that this missense variant has a deleterious effect on protein structure/function; This variant is associated with the following publications: (PMID: 31589614)

Institute of Human Genetics Munich, TUM University Hospital
Classification: Likely pathogenic for Aortic aneurysm, familial thoracic 7. Last evaluated: 2017-11-08. Review status: criteria provided, single submitter. Criteria: Classification criteria August 2017. Collection method: clinical testing. Allele origin: maternal, germline. Inheritance: Autosomal dominant inheritance. Affected: yes. Observed: 2 heterozygotes.

Literature cited by the submitters: PubMed 31589614 (cited by Mayo Clinic Laboratories, Mayo Clinic).